The following is an entry in ClinVar:

NM_000368.5(TSC1):c.1370G>A (p.Ser457Asn)

Gene: TSC1 (TSC complex subunit 1; minus strand). Cytogenetic location: 9q34.13.
Variant type: single nucleotide variant.
Coding change: c.1370G>A on transcript NM_000368.5 (MANE Select); coding-DNA position 1370, G replaced by A.
Protein change: p.Ser457Asn; replaces serine 457 with asparagine.
Molecular consequence: missense variant.
Genome position (GRCh38, 1-based): chr9:132,906,799, C>T on the plus strand (G>A on the coding strand, the complement: TSC1 is on the minus strand). VCF-style: chr9-132906799-C-T. GRCh37 (hg19) VCF-style: chr9-135782186-C-T.
Other names: c.1367G>A, p.Ser456Asn (NM_001162426.2); c.1217G>A, p.Ser406Asn (NM_001162427.2); c.1007G>A, p.Ser336Asn (NM_001362177.2); short protein forms S456N, S336N, S406N, S457N.
Identifiers: ClinVar variation 1392058 (VCV001392058.10), dbSNP rs2131866202, ClinGen allele CA375365990.

ClinVar aggregate classification (germline): Uncertain significance. Review status: criteria provided, multiple submitters, no conflicts (2 of 4 stars). 2 submissions from 2 submitters: Uncertain significance (2). Last evaluated 2022-09-08.

Conditions:
Hereditary cancer-predisposing syndrome. Also called: Hereditary neoplastic syndrome; Neoplastic Syndromes, Hereditary; Hereditary Cancer Syndrome; Tumor predisposition. Identifiers: Orphanet 140162, MedGen C0027672, MeSH D009386, MONDO:0015356.
Tuberous sclerosis 1 (TSC1). Identifiers: Orphanet 805, MedGen C1854465, MONDO:0008612, OMIM 191100.

Allele frequency attached by ClinVar (database versions not stated): gnomAD exomes below 0.00001.

Submissions (2):

Labcorp Genetics (formerly Invitae), Labcorp
Classification: Uncertain significance for Tuberous sclerosis 1. Last evaluated: 2022-09-08. Review status: criteria provided, single submitter. Criteria: Invitae Variant Classification Sherloc (09022015). Collection method: clinical testing. Allele origin: germline.
Comment: This sequence change replaces serine, which is neutral and polar, with asparagine, which is neutral and polar, at codon 457 of the TSC1 protein (p.Ser457Asn). This variant is not present in population databases (gnomAD no frequency). This variant has not been reported in the literature in individuals affected with TSC1-related conditions. ClinVar contains an entry for this variant (Variation ID: 1392058). Advanced modeling of protein sequence and biophysical properties (such as structural, functional, and spatial information, amino acid conservation, physicochemical variation, residue mobility, and thermodynamic stability) performed at Invitae indicates that this missense variant is not expected to disrupt TSC1 protein function. In summary, the available evidence is currently insufficient to determine the role of this variant in disease. Therefore, it has been classified as a Variant of Uncertain Significance.

Ambry Genetics
Classification: Uncertain significance for Hereditary cancer-predisposing syndrome. Last evaluated: 2021-07-27. Review status: criteria provided, single submitter. Criteria: Ambry Variant Classification Scheme 2023. Collection method: clinical testing. Allele origin: germline.
Comment: The p.S457N variant (also known as c.1370G>A), located in coding exon 12 of the TSC1 gene, results from a G to A substitution at nucleotide position 1370. The serine at codon 457 is replaced by asparagine, an amino acid with highly similar properties. This amino acid position is well conserved in available vertebrate species. In addition, this alteration is predicted to be tolerated by in silico analysis. Since supporting evidence is limited at this time, the clinical significance of this alteration remains unclear.